The following is an entry in ClinVar:

ClinVar aggregate classification (germline): Uncertain significance (1 of 4 stars; one submission).

gnomAD v4.1: 6 of 1,613,982 alleles (0.00037%); highest among the groups gnomAD compares: African/African-American, 0.0013%; no homozygotes.

Submission:

Labcorp Genetics (formerly Invitae), Labcorp
Classification: Uncertain significance. Last evaluated: 2022-11-22. Review status: criteria provided, single submitter. Criteria: Invitae Variant Classification Sherloc (09022015). Collection method: clinical testing. Allele origin: germline.
Comment: In summary, the available evidence is currently insufficient to determine the role of this variant in disease. Therefore, it has been classified as a Variant of Uncertain Significance. Algorithms developed to predict the effect of sequence changes on RNA splicing suggest that this variant is not likely to affect RNA splicing. Experimental studies and prediction algorithms are not available or were not evaluated, and the functional significance of this variant is currently unknown. ClinVar contains an entry for this variant (Variation ID: 1414352). This variant has not been reported in the literature in individuals affected with COL18A1-related conditions. This variant is not present in population databases (gnomAD no frequency). This sequence change replaces threonine, which is neutral and polar, with asparagine, which is neutral and polar, at codon 60 of the COL18A1 protein (p.Thr60Asn). The COL18A1 gene has multiple clinically relevant transcripts. This variant occurs in alternate transcript NM_030582.3, and corresponds to NM_130445.3:c.107-12533C>A in the primary transcript.

NM_001379500.1(COL18A1):c.107-12533C>A

Gene: COL18A1 (collagen type XVIII alpha 1 chain; plus strand). Cytogenetic location: 21q22.3.
Variant type: single nucleotide variant.
Coding change: c.107-12533C>A on transcript NM_001379500.1 (MANE Select); 12533 bases into the intron before coding-DNA position 107, C replaced by A.
Molecular consequence: intron variant. On other transcripts: missense variant (2).
Genome position (GRCh38, 1-based): chr21:45,455,709, C>A. VCF-style: chr21-45455709-C-A. GRCh37 (hg19) VCF-style: chr21-46875623-C-A.
Other names: c.179C>A, p.Thr60Asn (NM_030582.4, NM_130444.3); short protein forms T60N.
Identifiers: ClinVar variation 1414352 (VCV001414352.6), dbSNP rs199929202, ClinGen allele CA410505301.